The following is an entry in ClinVar:

ClinVar aggregate classification (germline): Uncertain significance. Review status: criteria provided, multiple submitters, no conflicts (2 of 4 stars). 3 submissions from 3 submitters: Uncertain significance (3). Last evaluated 2025-03-30.

Allele frequency attached by ClinVar (database versions not stated): gnomAD exomes 0.00001; gnomAD 0.00008; TOPMed 0.00006; ExAC 0.00003.
gnomAD v4.1: 33 of 1,582,114 alleles (0.0021%); highest among the groups gnomAD compares: African/African-American, 0.0096%; no homozygotes.

Submissions (3):

Ambry Genetics
Classification: Uncertain significance. Last evaluated: 2025-03-30. Review status: criteria provided, single submitter. Criteria: Ambry Variant Classification Scheme 2023. Collection method: clinical testing. Allele origin: germline.

Labcorp Genetics (formerly Invitae), Labcorp
Classification: Uncertain significance. Last evaluated: 2022-10-31. Review status: criteria provided, single submitter. Criteria: Invitae Variant Classification Sherloc (09022015). Collection method: clinical testing. Allele origin: germline.
Comment: This sequence change replaces arginine, which is basic and polar, with lysine, which is basic and polar, at codon 275 of the MRPL3 protein (p.Arg275Lys). This variant is present in population databases (rs771914518, gnomAD 0.03%). This variant has not been reported in the literature in individuals affected with MRPL3-related conditions. Advanced modeling of protein sequence and biophysical properties (such as structural, functional, and spatial information, amino acid conservation, physicochemical variation, residue mobility, and thermodynamic stability) performed at Invitae indicates that this missense variant is not expected to disrupt MRPL3 protein function. In summary, the available evidence is currently insufficient to determine the role of this variant in disease. Therefore, it has been classified as a Variant of Uncertain Significance.

GeneDx
Classification: Uncertain significance. Last evaluated: 2022-08-30. Review status: criteria provided, single submitter. Criteria: GeneDx Variant Classification Process June 2021. Collection method: clinical testing. Allele origin: germline. Affected: yes.
Comment: In silico analysis supports that this missense variant has a deleterious effect on protein structure/function; Has not been previously published as pathogenic or benign to our knowledge

NM_007208.4(MRPL3):c.824G>A (p.Arg275Lys)

Gene: MRPL3 (mitochondrial ribosomal protein L3; minus strand). Cytogenetic location: 3q22.1.
Variant type: single nucleotide variant.
Coding change: c.824G>A on transcript NM_007208.4 (MANE Select); coding-DNA position 824, G replaced by A.
Protein change: p.Arg275Lys; replaces arginine 275 with lysine.
Molecular consequence: missense variant.
Genome position (GRCh38, 1-based): chr3:131,468,161, C>T on the plus strand (G>A on the coding strand, the complement: MRPL3 is on the minus strand). VCF-style: chr3-131468161-C-T. GRCh37 (hg19) VCF-style: chr3-131187005-C-T.
Other names: c.824G>A (NM_007208.3); short protein forms R275K.
Identifiers: ClinVar variation 1987911 (VCV001987911.3), dbSNP rs771914518, ClinGen allele CA2616918.